The following is an entry in ClinVar:

NM_014712.3(SETD1A):c.5031C>T (p.Asp1677=)

Gene: SETD1A (SET domain containing 1A, histone lysine methyltransferase; plus strand). Cytogenetic location: 16p11.2.
Variant type: single nucleotide variant.
Coding change: c.5031C>T on transcript NM_014712.3 (MANE Select); coding-DNA position 5031, C replaced by T.
Protein change: p.Asp1677=; no amino-acid change (aspartic acid 1677 retained).
Molecular consequence: synonymous variant.
Genome position (GRCh38, 1-based): chr16:30,983,930, C>T. VCF-style: chr16-30983930-C-T. GRCh37 (hg19) VCF-style: chr16-30995251-C-T.
Identifiers: ClinVar variation 3049043 (VCV003049043.2), dbSNP rs757971277, ClinGen allele CA8017770.

ClinVar aggregate classification (germline): Likely benign (0 of 4 stars; one submission).

Conditions:
SETD1A-related disorder. Also called: SETD1A-related condition.

Allele frequency attached by ClinVar (database versions not stated): TOPMed 0.00001; ExAC 0.00003; gnomAD 0.00004.
gnomAD v4.1: 30 of 1,613,800 alleles (0.0019%); highest among the groups gnomAD compares: African/African-American, 0.008%; no homozygotes.

Submission:

PreventionGenetics, part of Exact Sciences
Classification: Likely benign for SETD1A-related condition. Last evaluated: 2019-12-09. Review status: no assertion criteria provided. Collection method: clinical testing. Allele origin: germline.
Comment: This variant is classified as likely benign based on ACMG/AMP sequence variant interpretation guidelines (Richards et al. 2015 PMID: 25741868, with internal and published modifications).